The following is an entry in ClinVar:

NM_182760.4(SUMF1):c.37T>C (p.Cys13Arg)

Gene: SUMF1 (sulfatase modifying factor 1; minus strand). Cytogenetic location: 3p26.1.
Variant type: single nucleotide variant.
Coding change: c.37T>C on transcript NM_182760.4 (MANE Select); coding-DNA position 37, T replaced by C.
Protein change: p.Cys13Arg; replaces cysteine 13 with arginine.
Molecular consequence: missense variant.
Genome position (GRCh38, 1-based): chr3:4,467,209, A>G on the plus strand (T>C on the coding strand, the complement: SUMF1 is on the minus strand). VCF-style: chr3-4467209-A-G. GRCh37 (hg19) VCF-style: chr3-4508893-A-G.
Other names: p.Cys13Arg; c.37T>C, p.Cys13Arg (NM_001164674.2, NM_001164675.2); short protein forms C13R.
Identifiers: ClinVar variation 2682826 (VCV002682826.1), dbSNP rs2079979928, ClinGen allele CA351794687.
Genomic context (GRCh38, chr3:4,467,209, plus strand): 5'-CTGCCGCTCCACACAGCAGCGAGAGCAGCAGCAGCAAGAGGACGAGACCCAGCTCAGGGC[A>G]ACGTCCACACACCAGCCCTAGTGCGGGCGCAGCCATGTTGTCCCGCGGGCCATGTGACCC-3'
Protein context (NP_877437.2, residues 3-23): APALGLVCGR[Cys13Arg]PELGLVLLLL

ClinVar aggregate classification (germline): Uncertain significance (1 of 4 stars; one submission).

Submission:

Mayo Clinic Laboratories, Mayo Clinic
Classification: Uncertain significance. Last evaluated: 2022-09-27. Review status: criteria provided, single submitter. Criteria: ACMG Guidelines, 2015. Collection method: clinical testing. Allele origin: germline. Observed: 1 variant allele.
Comment: PM2